The following is an entry in ClinVar:

NM_004082.5(DCTN1):c.742C>G (p.Leu248Val)

Gene: DCTN1 (dynactin subunit 1; minus strand). Cytogenetic location: 2p13.1.
Variant type: single nucleotide variant.
Coding change: c.742C>G on transcript NM_004082.5 (MANE Select); coding-DNA position 742, C replaced by G.
Protein change: p.Leu248Val; replaces leucine 248 with valine.
Molecular consequence: missense variant. On other transcripts: non-coding transcript variant (1).
Genome position (GRCh38, 1-based): chr2:74,371,080, G>C on the plus strand (C>G on the coding strand, the complement: DCTN1 is on the minus strand). VCF-style: chr2-74371080-G-C. GRCh37 (hg19) VCF-style: chr2-74598207-G-C.
Other names: c.682C>G, p.Leu228Val (NM_001135040.3); c.340C>G, p.Leu114Val (NM_001135041.3, NM_023019.4); c.631C>G, p.Leu211Val (NM_001190836.2); c.721C>G, p.Leu241Val (NM_001190837.2); c.691C>G, p.Leu231Val (NM_001378991.1); c.673C>G, p.Leu225Val (NM_001378992.1); short protein forms L211V, L228V, L241V, L248V, L114V, L225V, L231V.
Identifiers: ClinVar variation 662640 (VCV000662640.9), dbSNP rs112475795, ClinGen allele CA347366291.

ClinVar aggregate classification (germline): Uncertain significance (1 of 4 stars; one submission).

Conditions:
Amyotrophic lateral sclerosis type 1 (ALS1). Also called: AMYOTROPHIC LATERAL SCLEROSIS 1, FAMILIAL. Identifiers: Orphanet 803, MedGen C1862939, MONDO:0007103, OMIM 105400.
Perry syndrome. Also called: PARKINSONISM WITH ALVEOLAR HYPOVENTILATION AND MENTAL DEPRESSION. Identifiers: Orphanet 178509, MedGen C1868594, MONDO:0008201, OMIM 168605.
Neuronopathy, distal hereditary motor, type 7B. Also called: NEURONOPATHY, DISTAL HEREDITARY MOTOR, AUTOSOMAL DOMINANT 14; NEURONOPATHY, DISTAL HEREDITARY MOTOR, HARDING TYPE VIIB; NEUROPATHY, DISTAL HEREDITARY MOTOR, HARDING TYPE VIIB; NEUROPATHY, DISTAL HEREDITARY MOTOR, WITH VOCAL CORD PARALYSIS, HARDING TYPE VIIB; HMN VIIB; LOWER MOTOR NEURON DISEASE, DYNACTIN TYPE. Identifiers: Orphanet 139589, MedGen C1843315, MONDO:0011879, OMIM 607641.

Submission:

Labcorp Genetics (formerly Invitae), Labcorp
Classification: Uncertain significance for Amyotrophic lateral sclerosis type 1; Neuronopathy, distal hereditary motor, type 7B; Perry syndrome. Last evaluated: 2023-12-06. Review status: criteria provided, single submitter. Criteria: Invitae Variant Classification Sherloc (09022015). Collection method: clinical testing. Allele origin: germline.
Comment: This sequence change replaces leucine, which is neutral and non-polar, with valine, which is neutral and non-polar, at codon 248 of the DCTN1 protein (p.Leu248Val). This variant is not present in population databases (gnomAD no frequency). This variant has not been reported in the literature in individuals affected with DCTN1-related conditions. ClinVar contains an entry for this variant (Variation ID: 662640). Advanced modeling of protein sequence and biophysical properties (such as structural, functional, and spatial information, amino acid conservation, physicochemical variation, residue mobility, and thermodynamic stability) performed at Invitae indicates that this missense variant is not expected to disrupt DCTN1 protein function with a negative predictive value of 80%. In summary, the available evidence is currently insufficient to determine the role of this variant in disease. Therefore, it has been classified as a Variant of Uncertain Significance.